The following is an entry in ClinVar:

NM_000540.3(RYR1):c.9261C>T (p.Ile3087=)

Gene: RYR1 (ryanodine receptor 1; plus strand). Cytogenetic location: 19q13.2.
Variant type: single nucleotide variant.
Coding change: c.9261C>T on transcript NM_000540.3 (MANE Select); coding-DNA position 9261, C replaced by T.
Protein change: p.Ile3087=; no amino-acid change (isoleucine 3087 retained).
Molecular consequence: synonymous variant.
Genome position (GRCh38, 1-based): chr19:38,512,272, C>T. VCF-style: chr19-38512272-C-T. GRCh37 (hg19) VCF-style: chr19-39002912-C-T.
Other names: c.9261C>T, p.Ile3087= (NM_001042723.2).
Identifiers: ClinVar variation 329087 (VCV000329087.23), dbSNP rs56338790, ClinGen allele CA073441.

ClinVar aggregate classification (germline): Conflicting classifications of pathogenicity. Review status: criteria provided, conflicting classifications (1 of 4 stars). 8 submissions from 8 submitters: Uncertain significance (1); Likely benign (7). Last evaluated 2025-12-07.

Conditions:
Malignant hyperthermia, susceptibility to, 1 (MHS1). Also called: Anesthesia related hyperthermia; Malignant hyperpyrexia; Fulminating hyperpyrexia; Pharmacogenic myopathy; RYR1-Related Malignant Hyperthermia Susceptibility; Malignant hyperthermia suceptibility 1. Identifiers: Orphanet 423, MedGen C2930980, MONDO:0007783, OMIM 145600.
RYR1-related disorder. Also called: RYR1-related disorders; RYR1-related condition. Identifiers: MedGen CN239331.

Allele frequency attached by ClinVar (database versions not stated): ExAC 0.00002; gnomAD exomes 0.00008; gnomAD 0.00013 and 0.00049; ESP Exome Variant Server 0.00015; TOPMed 0.00058.
gnomAD v4.1: 138 of 1,614,106 alleles (0.0085%); highest among the groups gnomAD compares: Admixed American, 0.02%; 1 homozygote.

Submissions (8):

Labcorp Genetics (formerly Invitae), Labcorp
Classification: Likely benign for RYR1-related disorder. Last evaluated: 2025-12-07. Review status: criteria provided, single submitter. Criteria: Invitae Variant Classification Sherloc (09022015). Collection method: clinical testing. Allele origin: germline.

Women's Health and Genetics/Laboratory Corporation of America, LabCorp
Classification: Likely benign. Last evaluated: 2025-09-23. Review status: criteria provided, single submitter. Criteria: LabCorp Variant Classification Summary - May 2015. Collection method: clinical testing. Allele origin: germline.

Blueprint Genetics
Classification: Likely benign. Last evaluated: 2024-09-06. Review status: criteria provided, single submitter. Criteria: ACMG Guidelines, 2015. Collection method: clinical testing. Allele origin: germline.

All of Us Research Program, National Institutes of Health
Classification: Likely benign for Malignant hyperthermia, susceptibility to, 1. Last evaluated: 2024-02-05. Review status: criteria provided, single submitter. Criteria: ACMG Guidelines, 2015. Collection method: clinical testing. Allele origin: germline. Inheritance: Autosomal dominant inheritance. Observed: 38 variant alleles, 37 heterozygotes, 1 homozygote.
Comment: This study involves interpretation of variants in research participants for the purpose of population health screening. Participant phenotype was not available at the time of variant classification. Additional details can be found in publication PMID: 35346344, PMCID: PMC8962531

Color Diagnostics, LLC DBA Color Health
Classification: Likely benign for Malignant hyperthermia, susceptibility to, 1. Last evaluated: 2022-10-11. Review status: criteria provided, single submitter. Criteria: ACMG Guidelines, 2015. Collection method: clinical testing. Allele origin: germline.

ARUP Laboratories, Molecular Genetics and Genomics, ARUP Laboratories
Classification: Likely benign. Last evaluated: 2022-05-03. Review status: criteria provided, single submitter. Criteria: ARUP Molecular Germline Variant Investigation Process 2021. Collection method: clinical testing. Allele origin: germline.

Revvity Omics, Revvity
Classification: Uncertain significance. Last evaluated: 2019-05-09. Review status: criteria provided, single submitter. Criteria: ACMG Guidelines, 2015. Collection method: clinical testing. Allele origin: germline.

PreventionGenetics, part of Exact Sciences
Classification: Likely benign. Last evaluated: 2018-02-13. Review status: criteria provided, single submitter. Criteria: ACMG Guidelines, 2015. Collection method: clinical testing. Allele origin: germline.